The following is an entry in ClinVar:

NM_000558.3(HBA1):c.74A>G (p.Tyr25Cys)

Genes: HBA1 (hemoglobin subunit alpha 1; plus strand), LOC106804613 (hemoglobin subunit alpha 1 recombination region; plus strand). Cytogenetic location: 16p13.3.
Variant type: single nucleotide variant.
Coding change: c.74A>G on transcript NM_000558.3; coding-DNA position 74, A replaced by G.
Protein change: p.Tyr25Cys; replaces tyrosine 25 with cysteine.
Molecular consequence: missense variant (on NM_000558.5).
Genome position (GRCh38, 1-based): chr16:176,790, A>G. VCF-style: chr16-176790-A-G. GRCh37 (hg19) VCF-style: chr16-226789-A-G.
Other names: Y24C; c.74A>G, p.Tyr25Cys (NM_000558.5); short protein forms Y25C.
Identifiers: ClinVar variation 15860 (VCV000015860.4), dbSNP rs28928880, ClinGen allele CA125969.

ClinVar aggregate classification (germline): Uncertain significance. Review status: criteria provided, single submitter (1 of 4 stars). 2 submissions from 2 submitters: Uncertain significance (1). 1 of the submissions does not count toward it. Last evaluated 2025-02-18.

Conditions:
HEMOGLOBIN RAMONA.

Submissions (2):

Women's Health and Genetics/Laboratory Corporation of America, LabCorp
Classification: Uncertain significance. Last evaluated: 2025-02-18. Review status: criteria provided, single submitter. Criteria: LabCorp Variant Classification Summary - May 2015. Collection method: clinical testing. Allele origin: germline.
Comment: Variant summary: HBA1 c.74A>G (p.Tyr25Cys) results in a non-conservative amino acid change in the encoded protein sequence. Three of four in-silico tools predict a damaging effect of the variant on protein function. The variant allele was found at a frequency of 3.2e-06 in 1568590 control chromosomes in the gnomAD database (v4.1 dataset)in the gnomAD database (v4.1 dataset). The available data on variant occurrences in the general population are insufficient to allow any conclusion about variant significance. The variant c.74A>G (aka. Hb Ramona) has been reported in the literature as a hemoglobin variant with altered mobility on isoelectricfocusing, and was incidentally found in an asymptomatic heterozygote, who had no hematological abnormalities (Pobedimskay_1994). This report does not provide unequivocal conclusions about association of the variant with Alpha Thalassemia. To our knowledge, no experimental evidence demonstrating an impact on protein function has been reported. The following publication have been ascertained in the context of this evaluation (PMID: 7852094). ClinVar contains an entry for this variant (Variation ID: 15860). Based on the evidence outlined above, the variant was classified as uncertain significance.

OMIM
Classification: other for HEMOGLOBIN RAMONA. Last evaluated: 2016-07-20. Review status: no assertion criteria provided. Collection method: literature only. Allele origin: germline. Not counted in ClinVar's aggregate classification.

Literature cited by the submitters: PubMed 7852094 (cited by Women's Health and Genetics/Laboratory Corporation of America, LabCorp).